The following is an entry in ClinVar:

NM_001312673.2(PCYT1A):c.125G>A (p.Arg42Gln)

Gene: PCYT1A (phosphate cytidylyltransferase 1A, choline; minus strand). Cytogenetic location: 3q29.
Variant type: single nucleotide variant.
Coding change: c.125G>A on transcript NM_001312673.2 (MANE Select); coding-DNA position 125, G replaced by A.
Protein change: p.Arg42Gln; replaces arginine 42 with glutamine.
Molecular consequence: missense variant.
Genome position (GRCh38, 1-based): chr3:196,257,880, C>T on the plus strand (G>A on the coding strand, the complement: PCYT1A is on the minus strand). VCF-style: chr3-196257880-C-T. GRCh37 (hg19) VCF-style: chr3-195984751-C-T.
Other names: c.125G>A, p.Arg42Gln (NM_005017.4); short protein forms R42Q.
Identifiers: ClinVar variation 1501002 (VCV001501002.3), dbSNP rs771223117, ClinGen allele CA2779623.
Genomic context (GRCh38, chr3:196,257,880, plus strand): 5'-ACCCTGACATAGGGCTTACTAAAGTCAACTTCAATTTCATCAGAAAAAGGAGCTGGTTGC[C>T]GTAAGCCCTTAAGAAATGGAAAGTGAAGGAAAAGAAAGTTCAACTCAATGGCATACACTG-3'
Protein context (NP_001299602.1, residues 32-52): SKVQRCAVGL[Arg42Gln]QPAPFSDEIE

ClinVar aggregate classification (germline): Uncertain significance (1 of 4 stars; one submission).

Allele frequency attached by ClinVar (database versions not stated): gnomAD exomes 0.00001 and 0.00004; TOPMed 0.00002; ExAC 0.00007.
gnomAD v4.1: 16 of 1,609,630 alleles (0.00099%); highest among the groups gnomAD compares: Admixed American, 0.017%; no homozygotes.

Submission:

Labcorp Genetics (formerly Invitae), Labcorp
Classification: Uncertain significance. Last evaluated: 2022-09-07. Review status: criteria provided, single submitter. Criteria: Invitae Variant Classification Sherloc (09022015). Collection method: clinical testing. Allele origin: germline.
Comment: This sequence change replaces arginine, which is basic and polar, with glutamine, which is neutral and polar, at codon 42 of the PCYT1A protein (p.Arg42Gln). This variant is present in population databases (rs771223117, gnomAD 0.02%). This variant has not been reported in the literature in individuals affected with PCYT1A-related conditions. ClinVar contains an entry for this variant (Variation ID: 1501002). Advanced modeling of protein sequence and biophysical properties (such as structural, functional, and spatial information, amino acid conservation, physicochemical variation, residue mobility, and thermodynamic stability) performed at Invitae indicates that this missense variant is not expected to disrupt PCYT1A protein function. In summary, the available evidence is currently insufficient to determine the role of this variant in disease. Therefore, it has been classified as a Variant of Uncertain Significance.